The following is an entry in ClinVar:

NM_002292.4(LAMB2):c.4257T>C (p.Ala1419=)

Gene: LAMB2 (laminin subunit beta 2; minus strand). Cytogenetic location: 3p21.31.
Variant type: single nucleotide variant.
Coding change: c.4257T>C on transcript NM_002292.4 (MANE Select); coding-DNA position 4257, T replaced by C.
Protein change: p.Ala1419=; no amino-acid change (alanine 1419 retained).
Molecular consequence: synonymous variant.
Genome position (GRCh38, 1-based): chr3:49,123,020, A>G on the plus strand (T>C on the coding strand, the complement: LAMB2 is on the minus strand). VCF-style: chr3-49123020-A-G. GRCh37 (hg19) VCF-style: chr3-49160453-A-G.
Identifiers: ClinVar variation 706746 (VCV000706746.14), dbSNP rs149536828, ClinGen allele CA2393824.

ClinVar aggregate classification (germline): Likely benign. Review status: criteria provided, multiple submitters, no conflicts (2 of 4 stars). 4 submissions from 4 submitters: Likely benign (3). 1 of the submissions does not count toward it. Last evaluated 2026-09-01.

Conditions:
LAMB2-related disorder. Also called: LAMB2-related condition.
LAMB2-related infantile-onset nephrotic syndrome. Also called: NEPHROTIC SYNDROME, TYPE 5, WITHOUT OCULAR ABNORMALITIES; NEPHROTIC SYNDROME, TYPE 5, WITH OCULAR ABNORMALITIES; Nephrotic Syndrome, type 5. Identifiers: Orphanet 306507, MedGen C3280113, MONDO:0013621, OMIM 614199.
Pierson syndrome. Also called: MICROCORIA-CONGENITAL NEPHROTIC SYNDROME. Identifiers: Orphanet 2670, MedGen C1836876, MONDO:0012184, OMIM 609049.

Allele frequency attached by ClinVar (database versions not stated): ExAC 0.00011; gnomAD exomes 0.00011 and 0.00027; gnomAD 0.00014 and 0.00016; ESP Exome Variant Server 0.00015; TOPMed 0.00019.
gnomAD v4.1: 423 of 1,608,350 alleles (0.026%); highest among the groups gnomAD compares: Non-Finnish European, 0.034%; 1 homozygote.

Submissions (4):

CeGaT Center for Human Genetics Tuebingen
Classification: Likely benign. Last evaluated: 2026-09-01. Review status: criteria provided, single submitter. Criteria: CeGaT Center For Human Genetics Tuebingen Variant Classification Criteria Version 2. Collection method: clinical testing. Allele origin: germline. Affected: yes. Observed: 1 variant allele.
Comment: LAMB2: BP4, BP7

Labcorp Genetics (formerly Invitae), Labcorp
Classification: Likely benign for LAMB2-related infantile-onset nephrotic syndrome; Pierson syndrome. Last evaluated: 2025-12-20. Review status: criteria provided, single submitter. Criteria: Invitae Variant Classification Sherloc (09022015). Collection method: clinical testing. Allele origin: germline.

Fulgent Genetics
Classification: Likely benign for Pierson syndrome; LAMB2-related infantile-onset nephrotic syndrome. Last evaluated: 2021-10-21. Review status: criteria provided, single submitter. Criteria: ACMG Guidelines, 2015. Collection method: clinical testing. Allele origin: unknown.

PreventionGenetics, part of Exact Sciences
Classification: Likely benign for LAMB2-related condition. Last evaluated: 2019-12-19. Review status: no assertion criteria provided. Collection method: clinical testing. Allele origin: germline. Not counted in ClinVar's aggregate classification.
Comment: This variant is classified as likely benign based on ACMG/AMP sequence variant interpretation guidelines (Richards et al. 2015 PMID: 25741868, with internal and published modifications).